The following is an entry in ClinVar:

ClinVar aggregate classification (germline): Uncertain significance (1 of 4 stars; one submission).

Conditions:
Inborn genetic diseases. Identifiers: MedGen C0950123, MeSH D030342.

Submission:

Ambry Genetics
Classification: Uncertain significance for Inborn genetic diseases. Last evaluated: 2024-12-23. Review status: criteria provided, single submitter. Criteria: Ambry Variant Classification Scheme 2023. Collection method: clinical testing. Allele origin: germline.
Comment: The p.P75H variant (also known as c.224C>A), located in coding exon 4 of the RECQL4 gene, results from a C to A substitution at nucleotide position 224. The proline at codon 75 is replaced by histidine, an amino acid with similar properties. This amino acid position is conserved. In addition, this alteration is predicted to be tolerated by in silico analysis. Based on the available evidence, the clinical significance of this variant remains unclear.

NM_004260.4(RECQL4):c.224C>A (p.Pro75His)

Gene: RECQL4 (RecQ like helicase 4; minus strand). Cytogenetic location: 8q24.3.
Variant type: single nucleotide variant.
Coding change: c.224C>A on transcript NM_004260.4 (MANE Select); coding-DNA position 224, C replaced by A.
Protein change: p.Pro75His; replaces proline 75 with histidine.
Molecular consequence: missense variant. On other transcripts: 5 prime UTR variant (17), non-coding transcript variant (3).
Genome position (GRCh38, 1-based): chr8:144,517,180, G>T on the plus strand (C>A on the coding strand, the complement: RECQL4 is on the minus strand). VCF-style: chr8-144517180-G-T. GRCh37 (hg19) VCF-style: chr8-145742564-G-T.
Other names: c.224C>A, p.Pro75His (NM_001413017.1, NM_001413018.1, NM_001413019.1 and 5 more transcripts); c.-497C>A (NM_001413021.1); c.-848C>A (NM_001413022.1, NM_001413023.1, NM_001413037.1 and 3 more transcripts); c.-745C>A (NM_001413024.1, NM_001413035.1); c.95C>A, p.Pro32His (NM_001413025.1); c.-910C>A (NM_001413027.1, NM_001413030.1, NM_001413031.1 and 1 more transcripts); c.-573C>A (NM_001413028.1); c.-807C>A (NM_001413032.1); and 2 more; short protein forms P75H, P32H.
Identifiers: ClinVar variation 3787962 (VCV003787962.1).